The following is an entry in ClinVar:

ClinVar aggregate classification (germline): Uncertain significance (1 of 4 stars; one submission).

Conditions:
Charcot-Marie-Tooth Neuropathy X. Identifiers: MedGen CN118851.

Submission:

Labcorp Genetics (formerly Invitae), Labcorp
Classification: Uncertain significance for Charcot-Marie-Tooth Neuropathy X. Last evaluated: 2020-08-29. Review status: criteria provided, single submitter. Criteria: Invitae Variant Classification Sherloc (09022015). Collection method: clinical testing. Allele origin: germline.
Comment: This variant has not been reported in the literature in individuals with GJB1-related conditions. This variant is not present in population databases (ExAC no frequency). This sequence change replaces valine with glycine at codon 125 of the GJB1 protein (p.Val125Gly). The valine residue is highly conserved and there is a moderate physicochemical difference between valine and glycine. Algorithms developed to predict the effect of missense changes on protein structure and function are either unavailable or do not agree on the potential impact of this missense change (SIFT: "Deleterious"; PolyPhen-2: "Benign"; Align-GVGD: "Class C45"). In summary, the available evidence is currently insufficient to determine the role of this variant in disease. Therefore, it has been classified as a Variant of Uncertain Significance.

NM_000166.6(GJB1):c.374T>G (p.Val125Gly)

Gene: GJB1 (gap junction protein beta 1; plus strand). Cytogenetic location: Xq13.1.
Variant type: single nucleotide variant.
Coding change: c.374T>G on transcript NM_000166.6 (MANE Select); coding-DNA position 374, T replaced by G.
Protein change: p.Val125Gly; replaces valine 125 with glycine.
Molecular consequence: missense variant.
Genome position (GRCh38, 1-based): chrX:71,224,081, T>G. VCF-style: chrX-71224081-T-G. GRCh37 (hg19) VCF-style: chrX-70443931-T-G.
Other names: c.374T>G, p.Val125Gly (NM_001097642.3); short protein forms V125G.
Identifiers: ClinVar variation 1023585 (VCV001023585.8), dbSNP rs1602349254, ClinGen allele CA413502077.